The following is an entry in ClinVar:

NM_004239.4(TRIP11):c.4508_4511del (p.Met1503fs)

Gene: TRIP11 (thyroid hormone receptor interactor 11; minus strand). Cytogenetic location: 14q32.12.
Variant type: Deletion.
Coding change: c.4508_4511del on transcript NM_004239.4 (MANE Select); coding-DNA positions 4508 to 4511, 4 bases deleted (TGAA; older notation c.4508_4511delTGAA).
Protein change: p.Met1503fs; shifts the reading frame from methionine 1503.
Molecular consequence: frameshift variant.
Genome position (GRCh38, 1-based): chr14:92,003,465-92,003,468, TTCA deleted on the plus strand (TGAA on the coding strand, the reverse complement: TRIP11 is on the minus strand); deleting any 4 consecutive bases within chr14:92,003,465-92,003,470 gives the same sequence; the c. name uses the placement nearest the transcript's 3' end. VCF-style (leftmost placement, unchanged base first): chr14-92003464-CTTCA-C. GRCh37 (hg19) VCF-style: chr14-92469808-CTTCA-C.
Other names: c.4505_4508del, p.Met1502fs (NM_001321851.1); short protein forms M1502fs, M1503fs.
Identifiers: ClinVar variation 1917995 (VCV001917995.5), dbSNP rs1415530626, ClinGen allele CA709981070.

ClinVar aggregate classification (germline): Pathogenic (1 of 4 stars; one submission).

Conditions:
Achondrogenesis, type IA (ACG1A). Identifiers: Orphanet 932, Orphanet 93299, MedGen C0265273, MONDO:0008701, OMIM 200600.

Submission:

Labcorp Genetics (formerly Invitae), Labcorp
Classification: Pathogenic for Achondrogenesis, type IA. Last evaluated: 2022-02-11. Review status: criteria provided, single submitter. Criteria: Invitae Variant Classification Sherloc (09022015). Collection method: clinical testing. Allele origin: germline.
Comment: This premature translational stop signal has been observed in individual(s) with odontochondrodysplasia (PMID: 31903676). For these reasons, this variant has been classified as Pathogenic. This variant is not present in population databases (gnomAD no frequency). This sequence change creates a premature translational stop signal (p.Met1503Argfs*11) in the TRIP11 gene. It is expected to result in an absent or disrupted protein product. Loss-of-function variants in TRIP11 are known to be pathogenic (PMID: 20089971, 23956106).

Literature cited by the submitters: PubMed 31903676; PubMed 20089971; PubMed 23956106.